The following is an entry in ClinVar:

NM_007294.4(BRCA1):c.2462A>G (p.Asp821Gly)

Gene: BRCA1 (BRCA1 DNA repair associated; minus strand). Cytogenetic location: 17q21.31.
Variant type: single nucleotide variant.
Coding change: c.2462A>G on transcript NM_007294.4 (MANE Select); coding-DNA position 2462, A replaced by G.
Protein change: p.Asp821Gly; replaces aspartic acid 821 with glycine.
Molecular consequence: missense variant. On other transcripts: intron variant (137).
Genome position (GRCh38, 1-based): chr17:43,093,069, T>C on the plus strand (A>G on the coding strand, the complement: BRCA1 is on the minus strand). VCF-style: chr17-43093069-T-C. GRCh37 (hg19) VCF-style: chr17-41245086-T-C.
Other names: c.2321A>G, p.Asp774Gly (NM_001407725.1, NM_001407726.1, NM_001407727.1 and 29 more transcripts); c.2249A>G, p.Asp750Gly (NM_001407571.1, NM_001407853.1, NM_001407894.1 and 9 more transcripts); c.2462A>G, p.Asp821Gly (NM_001407581.1, NM_001407582.1, NM_001407583.1 and 30 more transcripts); c.2459A>G, p.Asp820Gly (NM_001407587.1, NM_001407590.1, NM_001407591.1 and 22 more transcripts); c.2453A>G, p.Asp818Gly (NM_001407646.1, NM_001407647.1); c.2339A>G, p.Asp780Gly (NM_001407648.1, NM_001407664.1, NM_001407665.1 and 19 more transcripts); c.2336A>G, p.Asp779Gly (NM_001407649.1, NM_001407670.1, NM_001407671.1 and 11 more transcripts); c.2384A>G, p.Asp795Gly (NM_001407653.1, NM_001407654.1, NM_001407655.1 and 4 more transcripts); and 41 more; short protein forms D653G, D694G, D710G, D773G, D795G, D820G, D693G, D709G.
Identifiers: ClinVar variation 3261496 (VCV003261496.3).

ClinVar aggregate classification (germline): Uncertain significance. Review status: criteria provided, multiple submitters, no conflicts (2 of 4 stars). 2 submissions from 2 submitters: Uncertain significance (2). Last evaluated 2024-11-12.

Conditions:
Hereditary breast ovarian cancer syndrome. Also called: Hereditary breast and ovarian cancer; Hereditary breast and ovarian cancer syndrome (HBOC); BRCA1- and BRCA2-Associated Hereditary Breast and Ovarian Cancer; Hereditary breast and ovarian cancer syndrome; Hereditary breast and/or ovarian cancer syndrome; Breast and ovarian cancer. Identifiers: Orphanet 145, MedGen C0677776, MeSH D061325, MONDO:0003582. Disease mechanism: loss of function.
Hereditary cancer-predisposing syndrome. Also called: Hereditary Cancer Syndrome; Tumor predisposition; Hereditary neoplastic syndrome; Neoplastic Syndromes, Hereditary. Identifiers: Orphanet 140162, MedGen C0027672, MeSH D009386, MONDO:0015356.

Submissions (2):

Labcorp Genetics (formerly Invitae), Labcorp
Classification: Uncertain significance for Hereditary breast ovarian cancer syndrome. Last evaluated: 2024-11-12. Review status: criteria provided, single submitter. Criteria: Invitae Variant Classification Sherloc (09022015). Collection method: clinical testing. Allele origin: germline.
Comment: This sequence change replaces aspartic acid, which is acidic and polar, with glycine, which is neutral and non-polar, at codon 821 of the BRCA1 protein (p.Asp821Gly). This variant is not present in population databases (gnomAD no frequency). This variant has not been reported in the literature in individuals affected with BRCA1-related conditions. Invitae Evidence Modeling of protein sequence and biophysical properties (such as structural, functional, and spatial information, amino acid conservation, physicochemical variation, residue mobility, and thermodynamic stability) indicates that this missense variant is not expected to disrupt BRCA1 protein function with a negative predictive value of 80%. In summary, the available evidence is currently insufficient to determine the role of this variant in disease. Therefore, it has been classified as a Variant of Uncertain Significance.

Ambry Genetics
Classification: Uncertain significance for Hereditary cancer-predisposing syndrome. Last evaluated: 2024-06-06. Review status: criteria provided, single submitter. Criteria: Ambry Variant Classification Scheme 2023. Collection method: clinical testing. Allele origin: germline.
Comment: The p.D821G variant (also known as c.2462A>G), located in coding exon 9 of the BRCA1 gene, results from an A to G substitution at nucleotide position 2462. The aspartic acid at codon 821 is replaced by glycine, an amino acid with similar properties. This amino acid position is conserved. In addition, the in silico prediction for this alteration is inconclusive. Based on the available evidence, the clinical significance of this variant remains unclear.